The following is an entry in ClinVar:

ClinVar aggregate classification (germline): Pathogenic. Review status: criteria provided, multiple submitters, no conflicts (2 of 4 stars). 8 submissions from 8 submitters: Pathogenic (8). Last evaluated 2024-08-19.

Conditions:
NAA10-related disorder. Also called: NAA10-related condition; NAA10-related disorders.
Ogden syndrome (OGDNS). Also called: N-TERMINAL ACETYLTRANSFERASE DEFICIENCY. Identifiers: Orphanet 276432, MedGen C3275447, MONDO:0010457, OMIM 300855.

Submissions (8):

3billion
Classification: Pathogenic for Ogden syndrome. Last evaluated: 2024-08-19. Review status: criteria provided, single submitter. Criteria: ACMG Guidelines, 2015. Collection method: clinical testing. Allele origin: germline. Affected: yes.
Comment: The variant is not observed in the gnomAD v4.0.0 dataset. Predicted Consequence/Location: Missense changes are a common disease-causing mechanism. In silico tool predictions suggest damaging effect of the variant on gene or gene product [REVEL: 0.75 (>=0.6, sensitivity 0.68 and specificity 0.92); 3Cnet: 0.99 (>=0.6, sensitivity 0.72 and precision 0.9)]. The same nucleotide change resulting in the same amino acid change has been previously reported as pathogenic/likely pathogenic with strong evidence (ClinVar ID: VCV000280237 /PMID: 28708303). The variant has been previously reported as de novo in a similarly affected individual (PMID: 28708303). Different missense changes at the same codon (p.Phe128Ile, p.Phe128Ser) have been reported as pathogenic/likely pathogenic with strong evidence (ClinVar ID: VCV000236259 /PMID: 26757139, 36810866). Therefore, this variant is classified as Pathogenic according to the recommendation of ACMG/AMP guideline.

Revvity Omics, Revvity
Classification: Pathogenic. Last evaluated: 2024-07-31. Review status: criteria provided, single submitter. Criteria: ACMG Guidelines, 2015. Collection method: clinical testing. Allele origin: germline.

GeneDx
Classification: Pathogenic. Last evaluated: 2023-02-10. Review status: criteria provided, single submitter. Criteria: GeneDx Variant Classification Process June 2021. Collection method: clinical testing. Allele origin: germline. Affected: yes.
Comment: Not observed in large population cohorts (gnomAD); In silico analysis supports that this missense variant has a deleterious effect on protein structure/function; This variant is associated with the following publications: (PMID: 31127942, 31036916, 35039925, 28708303)

Institute of Medical Genetics and Applied Genomics, University Hospital Tübingen
Classification: Pathogenic. Last evaluated: 2020-10-23. Review status: criteria provided, single submitter. Criteria: ACMG Guidelines, 2015. Collection method: clinical testing. Allele origin: germline. Inheritance: Unknown mechanism. Affected: yes.

Blueprint Genetics
Classification: Pathogenic for NAA10-related disorders. Last evaluated: 2019-08-01. Review status: criteria provided, single submitter. Criteria: ACMG Guidelines, 2015. Collection method: clinical testing. Allele origin: germline. Affected: yes. Observed: 1 variant allele.

Equipe Genetique des Anomalies du Developpement, Université de Bourgogne
Classification: Pathogenic for Ogden syndrome. Last evaluated: 2017-11-17. Review status: criteria provided, single submitter. Criteria: ACMG Guidelines, 2015. Collection method: clinical testing. Allele origin: de novo. Affected: yes. Study: Clinvar_gadteam_Clinical_exome_analysis_3.

Groupe Hospitalier Pitie Salpetriere, Uf Genomique Du Developpement, Assistance Publique Hopitaux de Paris Sorbonne Université
Classification: Pathogenic for Ogden syndrome. Last evaluated: 2017-01-06. Review status: criteria provided, single submitter. Criteria: ACMG Guidelines, 2015. Collection method: clinical testing. Allele origin: de novo. Affected: yes. Observed: 1 variant allele.
Comment: Intellectual disability, severe; extrapyramIntellectual disabilityal syndrome; microcephaly; late onset epilepsy; precocious puberty

Arnesen Lab, University of Bergen
Classification: Pathogenic for Ogden syndrome. Review status: criteria provided, single submitter. Criteria: ACMG Guidelines, 2015. Collection method: clinical testing. Allele origin: de novo. Affected: yes.
Comment: Published functional studies for a NAA10 F128L missense variant, caused by a different nucleotide substitution (c.384T>A), demonstrated reduced catalytic activity (Saunier et al., 2016) and the variant was reported as pathogenic. The NAA10 c.384T>G result in the same F128L missense variant and is therefore also considered pathogenic.

Literature cited by the submitters: PubMed 28708303 (cited by 3billion and Groupe Hospitalier Pitie Salpetriere, Uf Genomique Du Developpement, Assistance Publique Hopitaux de Paris Sorbonne Université); PubMed 26757139 (cited by 3billion).

NM_003491.4(NAA10):c.384T>G (p.Phe128Leu)

Gene: NAA10 (N-alpha-acetyltransferase 10, NatA catalytic subunit; minus strand). Cytogenetic location: Xq28.
Variant type: single nucleotide variant.
Coding change: c.384T>G on transcript NM_003491.4 (MANE Select); coding-DNA position 384, T replaced by G.
Protein change: p.Phe128Leu; replaces phenylalanine 128 with leucine.
Molecular consequence: missense variant. On other transcripts: intron variant (1).
Genome position (GRCh38, 1-based): chrX:153,932,073, A>C on the plus strand (T>G on the coding strand, the complement: NAA10 is on the minus strand). VCF-style: chrX-153932073-A-C. GRCh37 (hg19) VCF-style: chrX-153197526-A-C.
Other names: Phe128Leu; c.366T>G, p.Phe122Leu (NM_001256120.2); c.341+243T>G (NM_001256119.2); short protein forms F128L, F122L.
Identifiers: ClinVar variation 280237 (VCV000280237.11), dbSNP rs878853263, ClinGen allele CA10603413.